The following is an entry in ClinVar:

ClinVar aggregate classification (germline): Pathogenic (1 of 4 stars; one submission).

Conditions:
Capillary malformation-arteriovenous malformation syndrome. Also called: Capillary malformation-arteriovenous malformation. Identifiers: Orphanet 137667, MedGen C1842180, MONDO:0012016.

Submission:

Labcorp Genetics (formerly Invitae), Labcorp
Classification: Pathogenic for Capillary malformation-arteriovenous malformation syndrome. Last evaluated: 2024-10-02. Review status: criteria provided, single submitter. Criteria: Invitae Variant Classification Sherloc (09022015). Collection method: clinical testing. Allele origin: germline.
Comment: This sequence change creates a premature translational stop signal (p.Glu192*) in the RASA1 gene. It is expected to result in an absent or disrupted protein product. Loss-of-function variants in RASA1 are known to be pathogenic (PMID: 24038909). Information on the frequency of this variant in the gnomAD database is not available, as this variant may be reported differently in the database. This variant has not been reported in the literature in individuals affected with RASA1-related conditions. For these reasons, this variant has been classified as Pathogenic.

Literature cited by the submitters: PubMed 24038909.

NM_002890.3(RASA1):c.573_574inv (p.Glu192Ter)

Genes: CCNH (cyclin H; minus strand), RASA1 (RAS p21 protein activator 1; plus strand). Cytogenetic location: 5q14.3.
Variant type: Inversion.
Coding change: c.573_574inv on transcript NM_002890.3 (MANE Select).
Protein change: p.Glu192Ter; replaces glutamic acid 192 with a stop codon.
Molecular consequence: nonsense. On other transcripts: intron variant (1).
Genome position: GRCh38 VCF-style: chr5-87331381-AG-CT. GRCh37 (hg19) VCF-style: chr5-86627198-AG-CT.
Other names: c.42_43inv, p.Glu15Ter (NM_022650.3); c.934-18587_934-18586inv (NM_001364075.2); short protein forms E192*, E15*.
Identifiers: ClinVar variation 3661839 (VCV003661839.2).